The following is an entry in ClinVar:

NM_001999.4(FBN2):c.1644T>G (p.Asp548Glu)

Gene: FBN2 (fibrillin 2; minus strand). Cytogenetic location: 5q23.3.
Variant type: single nucleotide variant.
Coding change: c.1644T>G on transcript NM_001999.4 (MANE Select); coding-DNA position 1644, T replaced by G.
Protein change: p.Asp548Glu; replaces aspartic acid 548 with glutamic acid.
Molecular consequence: missense variant.
Genome position (GRCh38, 1-based): chr5:128,378,850, A>C on the plus strand (T>G on the coding strand, the complement: FBN2 is on the minus strand). VCF-style: chr5-128378850-A-C. GRCh37 (hg19) VCF-style: chr5-127714543-A-C.
Other names: short protein forms D548E.
Identifiers: ClinVar variation 213276 (VCV000213276.22), dbSNP rs182651973, ClinGen allele CA320126.

ClinVar aggregate classification (germline): Conflicting classifications of pathogenicity. Review status: criteria provided, conflicting classifications (1 of 4 stars). 8 submissions from 8 submitters: Uncertain significance (6); Benign (1); Likely benign (1). Last evaluated 2026-10-14.

Conditions:
FBN2-related disorder. Also called: FBN2-related condition.
Congenital contractural arachnodactyly (CCA). Also called: Arthrogryposis, distal, type 9; BEALS SYNDROME; Beals-Hecht syndrome. Identifiers: Orphanet 115, MedGen C0220668, MONDO:0007363, OMIM 121050.
Familial thoracic aortic aneurysm and aortic dissection (TAAD). Also called: Thoracic aortic aneurysms and dissections. Identifiers: Orphanet 91387, MedGen C4707243, MONDO:0019625.

Allele frequency attached by ClinVar (database versions not stated): gnomAD exomes 0.00007 and 0.00009; ExAC 0.00004; 1000 Genomes Project 30x 0.00016; gnomAD 0.00006; ESP Exome Variant Server 0.00008; TOPMed 0.00007; 1000 Genomes Project 0.00020.
gnomAD v4.1: 143 of 1,613,234 alleles (0.0089%); highest among the groups gnomAD compares: Middle Eastern, 0.017%; no homozygotes.

Submissions (9):

GeneDx
Classification: Uncertain significance. Last evaluated: 2026-10-14. Review status: criteria provided, single submitter. Criteria: GeneDx Variant Classification Process June 2021. Collection method: clinical testing. Allele origin: germline.
Comment: In silico analysis suggests that this missense variant does not alter protein structure/function; Although located in a calcium-binding EGF-like domain of the FBN2 gene, it does not substitute or introduce a cysteine residue (PMID: 19006240, 18767143); This variant is associated with the following publications: (PMID: 19006240, 18767143, Morgan_2020_Article)

PreventionGenetics, part of Exact Sciences
Classification: Uncertain significance for FBN2-related condition. Last evaluated: 2026-07-29. Review status: criteria provided, single submitter. Criteria: ACMG Guidelines, 2015. Collection method: clinical testing. Allele origin: germline.
Comment: The FBN2 c.1644T>G variant is predicted to result in the amino acid substitution p.Asp548Glu. This variant has been reported in an individual with a dilated aortic root (Morgan et al. 2020. doi: 10.22541/au.158739953.31329162). This variant is reported in 0.014% of alleles in individuals of Latino descent in gnomAD, which may be too frequent to be a primary cause of disease. This variant has conflicting classifications in ClinVar, ranging from benign to uncertain (Variation ID: 213276). Although we suspect that this variant may be benign, at this time, the clinical significance of this variant is uncertain due to the absence of conclusive functional and genetic evidence.

Women's Health and Genetics/Laboratory Corporation of America, LabCorp
Classification: Uncertain significance. Last evaluated: 2026-03-02. Review status: criteria provided, single submitter. Criteria: LabCorp Variant Classification Summary - May 2015. Collection method: clinical testing. Allele origin: germline.

Labcorp Genetics (formerly Invitae), Labcorp
Classification: Benign for Congenital contractural arachnodactyly. Last evaluated: 2026-01-20. Review status: criteria provided, single submitter. Criteria: Invitae Variant Classification Sherloc (09022015). Collection method: clinical testing. Allele origin: germline.

Blueprint Genetics
Classification: Likely benign. Last evaluated: 2024-10-02. Review status: criteria provided, single submitter. Criteria: ACMG Guidelines, 2015. Collection method: clinical testing. Allele origin: germline.

Centre of Medical Genetics, University of Antwerp
Classification: Uncertain significance for Familial thoracic aortic aneurysm and aortic dissection. Last evaluated: 2024-09-06. Review status: criteria provided, single submitter. Criteria: ACMG Guidelines, 2015. Collection method: clinical testing. Allele origin: germline. Affected: yes.

Ambry Genetics
Classification: Uncertain significance for Familial thoracic aortic aneurysm and aortic dissection. Last evaluated: 2024-07-12. Review status: criteria provided, single submitter. Criteria: Ambry Variant Classification Scheme 2023. Collection method: clinical testing. Allele origin: germline.
Comment: The p.D548E variant (also known as c.1644T>G), located in coding exon 12 of the FBN2 gene, results from a T to G substitution at nucleotide position 1644. The aspartic acid at codon 548 is replaced by glutamic acid, an amino acid with highly similar properties. This amino acid position is well conserved in available vertebrate species. In addition, this alteration is predicted to be tolerated by in silico analysis. Based on the available evidence, the clinical significance of this variant remains unclear.

Breakthrough Genomics
Classification: Uncertain significance. Review status: criteria provided, single submitter. Criteria: ACMG Guidelines, 2015. Collection method: not provided. Allele origin: germline. Inheritance: Autosomal dominant inheritance. Affected: yes.

Dr. Peter K. Rogan Lab, Western University
No classification provided (evidence only). Condition: Thyroid cancer, nonmedullary, 1. Review status: no classification provided. Collection method: in vitro. Allele origin: not applicable. Functional consequence: retained intron. Not counted in ClinVar's aggregate classification.